The following is an entry in ClinVar:

ClinVar aggregate classification (germline): Pathogenic (1 of 4 stars; one submission).

Conditions:
Complement component 3 deficiency. Identifiers: Orphanet 280133, MedGen C3151071, MONDO:0013417, OMIM 613779.

Submission:

Genomenon, Inc
Classification: Pathogenic for Complement component 3 deficiency. Last evaluated: 2025-09-30. Review status: criteria provided, single submitter. Criteria: Genomenon Sequence Variant Interpretation Standards. Collection method: curation. Allele origin: germline. Affected: yes.
Comment: C3 p.Tyr1081Ter (c.3243C>G) is a nonsense variant that introduces a premature stop codon at amino acid position 1081, creating a truncated protein that is predicted to undergo nonsense-mediated mRNA decay. This variant has been observed in at least one proband affected with C3 deficiency (PMID:11139258;18201916). The variant was found to segregate with disease in at least one affected family (PMID:11139258). It is absent or not present at a significant frequency in gnomAD. In conclusion, we classify C3 p.Tyr1081Ter (c.3243C>G) as a pathogenic variant.

Literature cited by the submitters: PubMed 11139258; PubMed 18201916.

NM_000064.4(C3):c.3243C>G (p.Tyr1081Ter)

Gene: C3 (complement C3; minus strand). Cytogenetic location: 19p13.3.
Variant type: single nucleotide variant.
Coding change: c.3243C>G on transcript NM_000064.4 (MANE Select); coding-DNA position 3243, C replaced by G.
Protein change: p.Tyr1081Ter; replaces tyrosine 1081 with a stop codon.
Molecular consequence: nonsense.
Genome position (GRCh38, 1-based): chr19:6,693,071, G>C on the plus strand (C>G on the coding strand, the complement: C3 is on the minus strand). VCF-style: chr19-6693071-G-C. GRCh37 (hg19) VCF-style: chr19-6693082-G-C.
Other names: short protein forms Y1081*.
Identifiers: ClinVar variation 4280245 (VCV004280245.1).